The following is an entry in ClinVar:

NM_000059.4(BRCA2):c.4240dup (p.Thr1414fs)

Gene: BRCA2 (BRCA2 DNA repair associated; plus strand). Cytogenetic location: 13q13.1.
Variant type: Duplication.
Coding change: c.4240dup on transcript NM_000059.4 (MANE Select); coding-DNA position 4240, one base duplicated (A; older notation c.4240dupA).
Protein change: p.Thr1414fs; shifts the reading frame from threonine 1414.
Molecular consequence: frameshift variant. On other transcripts: non-coding transcript variant (1), intron variant (2).
Genome position (GRCh38, 1-based): chr13:32,338,595, A duplicated; the last of 4 consecutive A bases (chr13:32,338,592-32,338,595); duplicating any one gives the same sequence. VCF-style (leftmost placement, unchanged base first): chr13-32338591-T-TA. GRCh37 (hg19) VCF-style: chr13-32912728-T-TA.
Other names: c.4240dupA (NM_000059.4); c.4240dup, p.Thr1414fs (NM_001406719.1, NM_001406720.1, NM_001432077.1); c.1909+5208dup (NM_001406721.1); c.425-5963dup (NM_001406722.1); short protein forms T1414fs.
Identifiers: ClinVar variation 4730274 (VCV004730274.2).

ClinVar aggregate classification (germline): Pathogenic. Review status: criteria provided, multiple submitters, no conflicts (2 of 4 stars). 2 submissions from 2 submitters: Pathogenic (2). Last evaluated 2026-02-09.

Conditions:
Hereditary breast ovarian cancer syndrome. Also called: Hereditary breast and ovarian cancer syndrome (HBOC); Breast and ovarian cancer; Hereditary breast and/or ovarian cancer syndrome; BRCA1- and BRCA2-Associated Hereditary Breast and Ovarian Cancer; Hereditary breast and ovarian cancer; Hereditary breast and ovarian cancer syndrome. Identifiers: Orphanet 145, MedGen C0677776, MeSH D061325, MONDO:0003582. Disease mechanism: loss of function.

Submissions (2):

Women's Health and Genetics/Laboratory Corporation of America, LabCorp
Classification: Pathogenic for Hereditary breast ovarian cancer syndrome. Last evaluated: 2026-02-09. Review status: criteria provided, single submitter. Criteria: LabCorp Variant Classification Summary - May 2015. Collection method: clinical testing. Allele origin: germline.
Comment: Variant summary: BRCA2 c.4240dupA (p.Thr1414AsnfsX9) results in a premature termination codon, predicted to cause a truncation of the encoded protein or absence of the protein due to nonsense mediated decay, which are commonly known mechanisms for disease. The variant was absent in 242398 control chromosomes. To our knowledge, no occurrence of c.4240dupA in individuals affected with BRCA2-related conditions and no experimental evidence demonstrating its impact on protein function have been reported. No submitters have cited clinical-significance assessments for this variant to ClinVar. Based on the evidence outlined above, the variant was classified as pathogenic.

Labcorp Genetics (formerly Invitae), Labcorp
Classification: Pathogenic for Hereditary breast ovarian cancer syndrome. Last evaluated: 2025-11-01. Review status: criteria provided, single submitter. Criteria: Invitae Variant Classification Sherloc (09022015). Collection method: clinical testing. Allele origin: germline.
Comment: This sequence change creates a premature translational stop signal (p.Thr1414Asnfs*9) in the BRCA2 gene. It is expected to result in an absent or disrupted protein product. Loss-of-function variants in BRCA2 are known to be pathogenic (PMID: 20104584). This variant is not present in population databases (gnomAD no frequency). This variant has not been reported in the literature in individuals affected with BRCA2-related conditions. For these reasons, this variant has been classified as Pathogenic.

Literature cited by the submitters: PubMed 20104584 (cited by Labcorp Genetics (formerly Invitae), Labcorp).